The following is an entry in ClinVar:

ClinVar aggregate classification (germline): Conflicting classifications of pathogenicity. Review status: criteria provided, conflicting classifications (1 of 4 stars). 2 submissions from 2 submitters: Uncertain significance (1); Likely benign (1). Last evaluated 2024-08-19.

Conditions:
NSD1-related disorder. Also called: NSD1-related condition.

Allele frequency attached by ClinVar (database versions not stated): gnomAD exomes 0.00003; ExAC 0.00007; gnomAD 0.00011; TOPMed 0.00014; ESP Exome Variant Server 0.00015; 1000 Genomes Project 0.00040; 1000 Genomes Project 30x 0.00047.
gnomAD v4.1: 59 of 1,614,096 alleles (0.0037%); highest among the groups gnomAD compares: African/African-American, 0.049%; no homozygotes.

Submissions (2):

Labcorp Genetics (formerly Invitae), Labcorp
Classification: Likely benign. Last evaluated: 2024-08-19. Review status: criteria provided, single submitter. Criteria: Invitae Variant Classification Sherloc (09022015). Collection method: clinical testing. Allele origin: germline.

PreventionGenetics, part of Exact Sciences
Classification: Uncertain significance for NSD1-related condition. Last evaluated: 2023-08-10. Review status: criteria provided, single submitter. Criteria: ACMG Guidelines, 2015. Collection method: clinical testing. Allele origin: germline.
Comment: The NSD1 c.3151G>A variant is predicted to result in the amino acid substitution p.Glu1051Lys. This variant was observed to be segregating with disease in a family with colorectal cancer, however significance of this observation is unclear (Quintana et al. 2022. PubMed ID: 35158968). This variant is reported in 0.056% of alleles in individuals of African descent in gnomAD. Although we suspect that this variant may be benign, at this time, the clinical significance of this variant is uncertain due to the absence of conclusive functional and genetic evidence.

NM_022455.5(NSD1):c.3151G>A (p.Glu1051Lys)

Gene: NSD1 (nuclear receptor binding SET domain protein 1; plus strand). Cytogenetic location: 5q35.3.
Variant type: single nucleotide variant.
Coding change: c.3151G>A on transcript NM_022455.5 (MANE Select); coding-DNA position 3151, G replaced by A.
Protein change: p.Glu1051Lys; replaces glutamic acid 1051 with lysine.
Molecular consequence: missense variant.
Genome position (GRCh38, 1-based): chr5:177,211,550, G>A. VCF-style: chr5-177211550-G-A. GRCh37 (hg19) VCF-style: chr5-176638551-G-A.
Other names: c.2278G>A, p.Glu760Lys (NM_001365684.2, NM_001409306.1, NM_001409307.1 and 3 more transcripts); c.3151G>A, p.Glu1051Lys (NM_001409301.1, NM_001409302.1, NM_001409303.1); c.2731G>A, p.Glu911Lys (NM_001409304.1); c.2398G>A, p.Glu800Lys (NM_001409305.1); short protein forms E782K, E800K, E911K, E1051K, E760K.
Identifiers: ClinVar variation 2184816 (VCV002184816.5), dbSNP rs141014337, ClinGen allele CA3577386.